The following is an entry in ClinVar:

NM_001447.3(FAT2):c.9256A>T (p.Lys3086Ter)

Genes: FAT2 (FAT atypical cadherin 2; minus strand), SLC36A1 (solute carrier family 36 member 1; plus strand). Cytogenetic location: 5q33.1.
Variant type: single nucleotide variant.
Coding change: c.9256A>T on transcript NM_001447.3 (MANE Select); coding-DNA position 9256, A replaced by T.
Protein change: p.Lys3086Ter; replaces lysine 3086 with a stop codon.
Molecular consequence: nonsense.
Genome position (GRCh38, 1-based): chr5:151,534,580, T>A on the plus strand (A>T on the coding strand, the complement: FAT2 is on the minus strand). VCF-style: chr5-151534580-T-A. GRCh37 (hg19) VCF-style: chr5-150914141-T-A.
Other names: short protein forms K3086*.
Identifiers: ClinVar variation 4881115 (VCV004881115.2).

ClinVar aggregate classification (germline): Uncertain significance (1 of 4 stars; one submission).

gnomAD v4.1: 2 of 1,614,040 alleles (0.00012%); highest among the groups gnomAD compares: Non-Finnish European, 0.000085%; no homozygotes.

Submission:

Dasa
Classification: Uncertain significance. Last evaluated: 2025-01-14. Review status: criteria provided, single submitter. Criteria: DASA Assertion Criteria. Collection method: clinical testing. Allele origin: germline.
Comment: NM_001447.3(FAT2):c.9256A>T (p.Lys3086*) is a nonsense variant in FAT2 predicted to introduce a premature termination codon. This variant is rare in population databases. The currently available literature and clinical evidence are not sufficient to establish a definitive association between this variant and the reported condition. Therefore, this variant is classified as a variant of uncertain significance.